The following is an entry in ClinVar:

ClinVar aggregate classification (germline): Pathogenic. Review status: criteria provided, multiple submitters, no conflicts (2 of 4 stars). 5 submissions from 5 submitters: Pathogenic (5). Last evaluated 2024-09-04.

Conditions:
USH2A-related disorder. Also called: USH2A-related disorders; USH2A-related condition. Identifiers: MedGen CN239332.
Retinitis pigmentosa 39 (RP39). Identifiers: Orphanet 791, MedGen C3151138, MONDO:0013436, OMIM 613809.

Allele frequency attached by ClinVar (database versions not stated): gnomAD exomes below 0.00001.
gnomAD v4.1: 1 of 1,612,764 alleles (0.000062%); highest among the groups gnomAD compares: Non-Finnish European, 0.000085%; no homozygotes.

Submissions (5):

Labcorp Genetics (formerly Invitae), Labcorp
Classification: Pathogenic. Last evaluated: 2024-09-04. Review status: criteria provided, single submitter. Criteria: Invitae Variant Classification Sherloc (09022015). Collection method: clinical testing. Allele origin: germline.
Comment: This sequence change creates a premature translational stop signal (p.Trp3150*) in the USH2A gene. It is expected to result in an absent or disrupted protein product. Loss-of-function variants in USH2A are known to be pathogenic (PMID: 10729113, 10909849, 20507924, 25649381). This variant is not present in population databases (gnomAD no frequency). This premature translational stop signal has been observed in individual(s) with Usher syndrome (PMID: 19737284). ClinVar contains an entry for this variant (Variation ID: 2202951). For these reasons, this variant has been classified as Pathogenic.

GeneDx
Classification: Pathogenic. Last evaluated: 2024-02-07. Review status: criteria provided, single submitter. Criteria: GeneDx Variant Classification Process June 2021. Collection method: clinical testing. Allele origin: germline. Affected: yes.
Comment: Nonsense variant predicted to result in protein truncation or nonsense mediated decay in a gene for which loss of function is a known mechanism of disease; Not observed at significant frequency in large population cohorts (gnomAD); This variant is associated with the following publications: (PMID: 19737284, 34948090)

Baylor Genetics
Classification: Pathogenic for Retinitis pigmentosa 39. Last evaluated: 2024-01-27. Review status: criteria provided, single submitter. Criteria: ACMG Guidelines, 2015. Collection method: clinical testing. Allele origin: unknown.

Daryl Scott Lab, Baylor College of Medicine
Classification: Pathogenic for USH2A-related disorder. Last evaluated: 2024-01-01. Review status: criteria provided, single submitter. Criteria: ACMG Guidelines, 2015. Collection method: clinical testing. Allele origin: paternal. Observed: 1 heterozygote.
Comment: PVS1, PM2

Blueprint Genetics
Classification: Pathogenic for USH2A-related disorders. Last evaluated: 2019-11-01. Review status: criteria provided, single submitter. Criteria: ACMG Guidelines, 2015. Collection method: clinical testing. Allele origin: germline. Affected: yes. Observed: 1 variant allele.

Literature cited by the submitters: PubMed 10729113 (cited by Labcorp Genetics (formerly Invitae), Labcorp); PubMed 10909849 (cited by Labcorp Genetics (formerly Invitae), Labcorp); PubMed 20507924 (cited by Labcorp Genetics (formerly Invitae), Labcorp); PubMed 25649381 (cited by Labcorp Genetics (formerly Invitae), Labcorp); PubMed 19737284 (cited by Labcorp Genetics (formerly Invitae), Labcorp).

NM_206933.4(USH2A):c.9449G>A (p.Trp3150Ter)

Gene: USH2A (usherin; minus strand). Cytogenetic location: 1q41.
Variant type: single nucleotide variant.
Coding change: c.9449G>A on transcript NM_206933.4 (MANE Select); coding-DNA position 9449, G replaced by A.
Protein change: p.Trp3150Ter; replaces tryptophan 3150 with a stop codon.
Molecular consequence: nonsense.
Genome position (GRCh38, 1-based): chr1:215,817,118, C>T on the plus strand (G>A on the coding strand, the complement: USH2A is on the minus strand). VCF-style: chr1-215817118-C-T. GRCh37 (hg19) VCF-style: chr1-215990460-C-T.
Other names: c.9449G>A (NM_206933.2); short protein forms W3150*.
Identifiers: ClinVar variation 2202951 (VCV002202951.9), dbSNP rs1662880550, ClinGen allele CA344825068.